The following is an entry in ClinVar:

ClinVar aggregate classification (germline): Likely pathogenic (3 of 4 stars; one submission).

Conditions:
Phenylketonuria (PKU). Also called: Phenylketonuria (PKU); FOLLING DISEASE; OLIGOPHRENIA PHENYLPYRUVICA; Phenylketonurias. Identifiers: Orphanet 716, MedGen C0031485, MONDO:0009861, OMIM 261600. Disease mechanism: loss of function.

Submission:

ClinGen PAH Variant Curation Expert Panel
Classification: Likely pathogenic for Phenylketonuria. Last evaluated: 2024-09-06. Review status: reviewed by expert panel. Criteria: ClinGen PAH ACMG Specifications v1. Collection method: curation. Allele origin: germline. Inheritance: Autosomal recessive inheritance.
Comment: The NM_000277.3(PAH):c.977G>C (p.Trp326Ser) variant is a missense variant in exon 10/13 of PAH. This variant has been previously reported in at least one proband with hyperphenylalanemia (HPA; Palmieri, A. (2013). MOLECULAR ANALYSIS OF PHENYLALANINE HYDROXYLASE GENE IN SOUTH ITALY PATIENTS AFFECTED BY PHENYLKETONURIA) in whom BH4 deficiency was not formally excluded by normal urine pterins and normal DHPR activity, or sequencing of genes in the BH4 cofactor metabolism pathway to exclude a defect of BH4 cofactor metabolism (PP4_Supporting). This variant has been reported in at least one proband with the genotype p.Leu48Ser/p.Trp326Ser (phase not confirmed) phenotype (PMID: 32668217); the p.Leu48Ser variant is path in ClinVar by PAH VCEP (Var ID: 608) (PM3_Supporting). The variant is absent from ethnically diverse control databases, including gnomAD/ExAC, 1000 Genomes, and ESP (PM2). The variant is predicted damaging by multiple in-silico missense predictors, including REVEL (REVEL score 0.874) (PP3_Moderate). A different missense variant at the same site, p.Trp326Cys, has been previously reported in one patient with HPA (PMID: 36537053), BH4 deficiency not excluded, in presumed trans w/p.R408W (path by PAH VCEP, ClinVar ID 577); the p.W326C variant qualifies as likely path (PM3_Supp, PP3_Mod, PP4_Mod (hyperphenylalanemia, BH4 deficiency excluded by sequencing of genes in sequencing of genes in the BH4 cofactor metabolism pathway, PM2_Supp), such that PM5_Supporting is met. In summary, this variant meets criteria to be classified as Likely Pathogenic based on the ACMG/AMP criteria applied, as specified by the ClinGen Phenylketonuria Variant Curation Expert Panel (Specifications Version 2.0): PM2_Supporting, PM3_Supporting, PM5_Supporting, PP4_Supporting, PP3_Moderate.

NM_000277.3(PAH):c.977G>C (p.Trp326Ser)

Gene: PAH (phenylalanine hydroxylase; minus strand). Cytogenetic location: 12q23.2.
Variant type: single nucleotide variant.
Coding change: c.977G>C on transcript NM_000277.3 (MANE Select); coding-DNA position 977, G replaced by C.
Protein change: p.Trp326Ser; replaces tryptophan 326 with serine.
Molecular consequence: missense variant.
Genome position (GRCh38, 1-based): chr12:102,844,424, C>G on the plus strand (G>C on the coding strand, the complement: PAH is on the minus strand). VCF-style: chr12-102844424-C-G. GRCh37 (hg19) VCF-style: chr12-103238202-C-G.
Other names: NM_001354304.2:c.977G>C; c.977G>C, p.Trp326Ser (NM_001354304.2); short protein forms W326S.
Identifiers: ClinVar variation 1327560 (VCV001327560.2), dbSNP rs62514959, ClinGen allele CA16020913.